The following is an entry in ClinVar:

NM_002471.4(MYH6):c.5393G>A (p.Arg1798Gln)

Gene: MYH6 (myosin heavy chain 6; minus strand). Cytogenetic location: 14q11.2.
Variant type: single nucleotide variant.
Coding change: c.5393G>A on transcript NM_002471.4 (MANE Select); coding-DNA position 5393, G replaced by A.
Protein change: p.Arg1798Gln; replaces arginine 1798 with glutamine.
Molecular consequence: missense variant.
Genome position (GRCh38, 1-based): chr14:23,384,614, C>T on the plus strand (G>A on the coding strand, the complement: MYH6 is on the minus strand). VCF-style: chr14-23384614-C-T. GRCh37 (hg19) VCF-style: chr14-23853823-C-T.
Other names: short protein forms R1798Q.
Identifiers: ClinVar variation 498482 (VCV000498482.9), dbSNP rs759281871, ClinGen allele CA7114442.

ClinVar aggregate classification (germline): Uncertain significance. Review status: criteria provided, multiple submitters, no conflicts (2 of 4 stars). 3 submissions from 3 submitters: Uncertain significance (3). Last evaluated 2024-12-17.

Conditions:
Cardiovascular phenotype. Identifiers: MedGen CN230736.
Hypertrophic cardiomyopathy 14. Identifiers: MedGen C2750467, MONDO:0013197, OMIM 613251.

Allele frequency attached by ClinVar (database versions not stated): gnomAD exomes below 0.00001 and 0.00001; ExAC 0.00001; gnomAD 0.00001; TOPMed 0.00001.
gnomAD v4.1: 20 of 1,613,834 alleles (0.0012%); highest among the groups gnomAD compares: South Asian, 0.0022%; no homozygotes.

Submissions (3):

Labcorp Genetics (formerly Invitae), Labcorp
Classification: Uncertain significance for Hypertrophic cardiomyopathy 14. Last evaluated: 2024-12-17. Review status: criteria provided, single submitter. Criteria: Invitae Variant Classification Sherloc (09022015). Collection method: clinical testing. Allele origin: germline.
Comment: This sequence change replaces arginine, which is basic and polar, with glutamine, which is neutral and polar, at codon 1798 of the MYH6 protein (p.Arg1798Gln). This variant is present in population databases (rs759281871, gnomAD 0.0009%). This missense change has been observed in individual(s) with hypertrophic cardiomyopathy (PMID: 33190526). ClinVar contains an entry for this variant (Variation ID: 498482). Invitae Evidence Modeling of protein sequence and biophysical properties (such as structural, functional, and spatial information, amino acid conservation, physicochemical variation, residue mobility, and thermodynamic stability) indicates that this missense variant is not expected to disrupt MYH6 protein function with a negative predictive value of 80%. In summary, the available evidence is currently insufficient to determine the role of this variant in disease. Therefore, it has been classified as a Variant of Uncertain Significance.

Ambry Genetics
Classification: Uncertain significance for Cardiovascular phenotype. Last evaluated: 2020-06-29. Review status: criteria provided, single submitter. Criteria: Ambry Variant Classification Scheme 2023. Collection method: clinical testing. Allele origin: germline.
Comment: The p.R1798Q variant (also known as c.5393G>A), located in coding exon 34 of the MYH6 gene, results from a G to A substitution at nucleotide position 5393. The arginine at codon 1798 is replaced by glutamine, an amino acid with highly similar properties. This amino acid position is highly conserved in available vertebrate species. In addition, this alteration is predicted to be deleterious by in silico analysis. Since supporting evidence is limited at this time, the clinical significance of this alteration remains unclear.

Eurofins Ntd Llc (ga)
Classification: Uncertain significance. Last evaluated: 2016-12-09. Review status: criteria provided, single submitter. Criteria: EGL Classification Definitions 2015. Collection method: clinical testing. Allele origin: germline. Observed: 1 variant allele, 1 heterozygote.

Literature cited by the submitters: PubMed 33190526 (cited by Labcorp Genetics (formerly Invitae), Labcorp).